The following is an entry in ClinVar:

NM_005051.3(QARS1):c.1528G>A (p.Asp510Asn)

Gene: QARS1 (glutaminyl-tRNA synthetase 1; minus strand). Cytogenetic location: 3p21.31.
Variant type: single nucleotide variant.
Coding change: c.1528G>A on transcript NM_005051.3 (MANE Select); coding-DNA position 1528, G replaced by A.
Protein change: p.Asp510Asn; replaces aspartic acid 510 with asparagine.
Molecular consequence: missense variant. On other transcripts: non-coding transcript variant (1).
Genome position (GRCh38, 1-based): chr3:49,099,430, C>T on the plus strand (G>A on the coding strand, the complement: QARS1 is on the minus strand). VCF-style: chr3-49099430-C-T. GRCh37 (hg19) VCF-style: chr3-49136863-C-T.
Other names: c.1495G>A, p.Asp499Asn (NM_001272073.2); short protein forms D510N, D499N.
Identifiers: ClinVar variation 843272 (VCV000843272.1), dbSNP rs2042436829, ClinGen allele CA352705478.

ClinVar aggregate classification (germline): Uncertain significance (1 of 4 stars; one submission).

Conditions:
Diffuse cerebral and cerebellar atrophy - intractable seizures - progressive microcephaly syndrome. Also called: Microcephaly, progressive, with seizures and cerebral and cerebellar atrophy. Identifiers: Orphanet 404437, MedGen C4014239, MONDO:0014335, OMIM 615760.

Submission:

Labcorp Genetics (formerly Invitae), Labcorp
Classification: Uncertain significance for Diffuse cerebral and cerebellar atrophy - intractable seizures - progressive microcephaly syndrome. Last evaluated: 2019-04-30. Review status: criteria provided, single submitter. Criteria: Invitae Variant Classification Sherloc (09022015). Collection method: clinical testing. Allele origin: germline.
Comment: This sequence change replaces aspartic acid with asparagine at codon 510 of the QARS protein (p.Asp510Asn). The aspartic acid residue is highly conserved and there is a small physicochemical difference between aspartic acid and asparagine. This variant is not present in population databases (ExAC no frequency). This variant has not been reported in the literature in individuals with QARS-related conditions. Algorithms developed to predict the effect of missense changes on protein structure and function are either unavailable or do not agree on the potential impact of this missense change (SIFT: "Tolerated"; PolyPhen-2: "Possibly Damaging"; Align-GVGD: "Class C0"). In summary, the available evidence is currently insufficient to determine the role of this variant in disease. Therefore, it has been classified as a Variant of Uncertain Significance.